The following is an entry in ClinVar:

ClinVar aggregate classification (germline): Likely benign (1 of 4 stars; one submission).

Allele frequency attached by ClinVar (database versions not stated): gnomAD 0.00001; gnomAD exomes 0.00001 and 0.00005; TOPMed 0.00001; ExAC 0.00004.
gnomAD v4.1: 18 of 1,609,972 alleles (0.0011%); highest among the groups gnomAD compares: East Asian, 0.036%; no homozygotes.

Submission:

GeneDx
Classification: Likely benign. Last evaluated: 2017-11-01. Review status: criteria provided, single submitter. Criteria: GeneDx Variant Classification (06012015). Collection method: clinical testing. Allele origin: germline. Affected: yes.
Comment: This variant is considered likely benign or benign based on one or more of the following criteria: it is a conservative change, it occurs at a poorly conserved position in the protein, it is predicted to be benign by multiple in silico algorithms, and/or has population frequency not consistent with disease.

NM_000179.3(MSH6):c.-26A>G

Gene: MSH6 (mutS homolog 6; plus strand). Cytogenetic location: 2p16.3.
Variant type: single nucleotide variant.
Coding change: c.-26A>G on transcript NM_000179.3 (MANE Select); 26 bases upstream of the start codon, A replaced by G.
Molecular consequence: 5 prime UTR variant.
Genome position (GRCh38, 1-based): chr2:47,783,208, A>G. VCF-style: chr2-47783208-A-G. GRCh37 (hg19) VCF-style: chr2-48010347-A-G.
Other names: c.-26A>G (NM_001281492.2); c.-762A>G (NM_001281493.2).
Identifiers: ClinVar variation 506408 (VCV000506408.1), dbSNP rs773995995, ClinGen allele CA069467.